The following is an entry in ClinVar:

ClinVar aggregate classification (germline): Uncertain significance (1 of 4 stars; one submission).

Conditions:
Hereditary cancer-predisposing syndrome. Also called: Neoplastic Syndromes, Hereditary; Tumor predisposition; Hereditary neoplastic syndrome; Hereditary Cancer Syndrome. Identifiers: Orphanet 140162, MedGen C0027672, MeSH D009386, MONDO:0015356.

Submission:

Ambry Genetics
Classification: Uncertain significance for Hereditary cancer-predisposing syndrome. Last evaluated: 2026-08-15. Review status: criteria provided, single submitter. Criteria: Ambry Variant Classification Scheme 2023. Collection method: clinical testing. Allele origin: germline.
Comment: The p.S584R variant (also known as c.1752C>A), located in coding exon 16 of the NF2 gene, results from a C to A substitution at nucleotide position 1752. The serine at codon 584 is replaced by arginine, an amino acid with dissimilar properties. This amino acid position is conserved. In addition, the in silico prediction for this alteration is inconclusive. Based on the available evidence, the clinical significance of this variant remains unclear.

NM_000268.4(NF2):c.1752C>A (p.Ser584Arg)

Gene: NF2 (NF2, moesin-ezrin-radixin like (MERLIN) tumor suppressor; plus strand). Cytogenetic location: 22q12.2.
Variant type: single nucleotide variant.
Coding change: c.1752C>A on transcript NM_000268.4 (MANE Select); coding-DNA position 1752, C replaced by A.
Protein change: p.Ser584Arg; replaces serine 584 with arginine.
Molecular consequence: missense variant. On other transcripts: 3 prime UTR variant (11), non-coding transcript variant (1).
Genome position (GRCh38, 1-based): chr22:29,694,766, C>A. VCF-style: chr22-29694766-C-A. GRCh37 (hg19) VCF-style: chr22-30090755-C-A.
Other names: c.1617C>A, p.Ser539Arg (NM_001407057.1); c.*39C>A (NM_001407058.1, NM_001407063.1, NM_181832.3); c.*24C>A (NM_001407059.1, NM_001407065.1, NM_001407067.1 and 5 more transcripts); c.1589C>A, p.Ala530Glu (NM_001407060.1); c.1494C>A, p.Ser498Arg (NM_001407062.1); c.1340C>A, p.Ala447Glu (NM_001407064.1); c.462C>A, p.Ser154Arg (NM_181833.3); c.1638C>A, p.Ser546Arg (NM_001407053.1); and 2 more; short protein forms S154R, A447E, S543R, S498R, S539R, S546R, S584R, A530E.
Identifiers: ClinVar variation 5025709 (VCV005025709.1).
Genomic context (GRCh38, chr22:29,694,766, plus strand): 5'-AGCGGAGGTCTTGTGCCCTCTCAGCTTCTTCTCTGCTTTCTTACAGCTCACCTTGCAGAG[C>A]GCCAAGTCCCGAGTGGCCTTCTTTGAAGAGCTCTAGCAGGTGACCCAGCCACCCCAGGAC-3'
Protein context (NP_000259.1, residues 574-594): HNTIKKLTLQ[Ser584Arg]AKSRVAFFEE